The following is an entry in ClinVar:

NM_001127208.3(TET2):c.865G>A (p.Ala289Thr)

Genes: TET2 (tet methylcytosine dioxygenase 2; plus strand), TET2-AS1 (TET2 antisense RNA 1; minus strand). Cytogenetic location: 4q24.
Variant type: single nucleotide variant.
Coding change: c.865G>A on transcript NM_001127208.3 (MANE Select); coding-DNA position 865, G replaced by A.
Protein change: p.Ala289Thr; replaces alanine 289 with threonine.
Molecular consequence: missense variant.
Genome position (GRCh38, 1-based): chr4:105,234,807, G>A. VCF-style: chr4-105234807-G-A. GRCh37 (hg19) VCF-style: chr4-106155964-G-A.
Other names: c.865G>A, p.Ala289Thr (NM_017628.4); short protein forms A289T.
Identifiers: ClinVar variation 3967674 (VCV003967674.1).

ClinVar aggregate classification (germline): Uncertain significance (1 of 4 stars; one submission).

gnomAD v4.1: 4 of 1,613,980 alleles (0.00025%); highest among the groups gnomAD compares: Non-Finnish European, 0.00034%; no homozygotes.

Submission:

Ambry Genetics
Classification: Uncertain significance. Last evaluated: 2025-05-29. Review status: criteria provided, single submitter. Criteria: Ambry Variant Classification Scheme 2023. Collection method: clinical testing. Allele origin: germline.
Comment: The p.A289T variant (also known as c.865G>A), located in coding exon 1 of the TET2 gene, results from a G to A substitution at nucleotide position 865. The alanine at codon 289 is replaced by threonine, an amino acid with similar properties. This amino acid position is conserved. In addition, this alteration is predicted to be tolerated by in silico analysis. Based on the available evidence, the clinical significance of this variant remains unclear.